The following is an entry in ClinVar:

NM_016343.4(CENPF):c.5714G>A (p.Ser1905Asn)

Gene: CENPF (centromere protein F; plus strand). Cytogenetic location: 1q41.
Variant type: single nucleotide variant.
Coding change: c.5714G>A on transcript NM_016343.4 (MANE Select); coding-DNA position 5714, G replaced by A.
Protein change: p.Ser1905Asn; replaces serine 1905 with asparagine.
Molecular consequence: missense variant.
Genome position (GRCh38, 1-based): chr1:214,645,284, G>A. VCF-style: chr1-214645284-G-A. GRCh37 (hg19) VCF-style: chr1-214818627-G-A.
Other names: short protein forms S1905N.
Identifiers: ClinVar variation 3142339 (VCV003142339.3), dbSNP rs143508339, ClinGen allele CA1390831.

ClinVar aggregate classification (germline): Uncertain significance. Review status: criteria provided, multiple submitters, no conflicts (2 of 4 stars). 2 submissions from 2 submitters: Uncertain significance (2). Last evaluated 2025-12-16.

Conditions:
Inborn genetic diseases. Identifiers: MedGen C0950123, MeSH D030342.

Allele frequency attached by ClinVar (database versions not stated): TOPMed 0.00026; gnomAD 0.00029; 1000 Genomes Project 0.00040; ESP Exome Variant Server 0.00046; 1000 Genomes Project 30x 0.00047; gnomAD exomes 0.00002; ExAC 0.00005.
gnomAD v4.1: 78 of 1,614,124 alleles (0.0048%); highest among the groups gnomAD compares: African/African-American, 0.097%; no homozygotes.

Submissions (2):

Ambry Genetics
Classification: Uncertain significance for Inborn genetic diseases. Last evaluated: 2025-12-16. Review status: criteria provided, single submitter. Criteria: Ambry Variant Classification Scheme 2023. Collection method: clinical testing. Allele origin: germline.

GeneDx
Classification: Uncertain significance. Last evaluated: 2024-05-21. Review status: criteria provided, single submitter. Criteria: GeneDx Variant Classification Process June 2021. Collection method: clinical testing. Allele origin: germline. Affected: yes.
Comment: In silico analysis indicates that this missense variant does not alter protein structure/function; Has not been previously published as pathogenic or benign to our knowledge